The following is an entry in ClinVar:

ClinVar aggregate classification (germline): Uncertain significance (1 of 4 stars; one submission).

Conditions:
Hereditary cancer-predisposing syndrome. Also called: Neoplastic Syndromes, Hereditary; Hereditary Cancer Syndrome; Hereditary neoplastic syndrome; Tumor predisposition. Identifiers: Orphanet 140162, MedGen C0027672, MeSH D009386, MONDO:0015356.

Submission:

Ambry Genetics
Classification: Uncertain significance for Hereditary cancer-predisposing syndrome. Last evaluated: 2026-05-04. Review status: criteria provided, single submitter. Criteria: Ambry Variant Classification Scheme 2023. Collection method: clinical testing. Allele origin: germline.
Comment: The p.W403C variant (also known as c.1209G>C), located in coding exon 12 of the FANCC gene, results from a G to C substitution at nucleotide position 1209. The tryptophan at codon 403 is replaced by cysteine, an amino acid with highly dissimilar properties. This amino acid position is conserved. In addition, this alteration is predicted to be deleterious by in silico analysis. Based on the available evidence, the clinical significance of this variant remains unclear.

NM_000136.3(FANCC):c.1209G>C (p.Trp403Cys)

Genes: AOPEP (aminopeptidase O (putative); plus strand), FANCC (FA complementation group C; minus strand). Cytogenetic location: 9q22.32.
Variant type: single nucleotide variant.
Coding change: c.1209G>C on transcript NM_000136.3 (MANE Select); coding-DNA position 1209, G replaced by C.
Protein change: p.Trp403Cys; replaces tryptophan 403 with cysteine.
Molecular consequence: missense variant.
Genome position (GRCh38, 1-based): chr9:95,111,583, C>G on the plus strand (G>C on the coding strand, the complement: FANCC is on the minus strand). VCF-style: chr9-95111583-C-G. GRCh37 (hg19) VCF-style: chr9-97873865-C-G.
Other names: c.1209G>C, p.Trp403Cys (NM_001243743.2, NM_001243744.2); short protein forms W403C.
Identifiers: ClinVar variation 4870955 (VCV004870955.1).